The following is an entry in ClinVar:

ClinVar aggregate classification (germline): Pathogenic. Review status: reviewed by expert panel (3 of 4 stars). 18 submissions from 18 submitters: Pathogenic (1). 17 of the submissions do not count toward it. Last evaluated 2019-06-18.

Conditions:
BRCA1-related disorder. Also called: BRCA1-related condition.
Hereditary cancer-predisposing syndrome. Also called: Neoplastic Syndromes, Hereditary; Tumor predisposition; Hereditary Cancer Syndrome; Hereditary neoplastic syndrome. Identifiers: Orphanet 140162, MedGen C0027672, MeSH D009386, MONDO:0015356.
Hereditary breast ovarian cancer syndrome. Also called: Hereditary breast and ovarian cancer; Breast and ovarian cancer; Hereditary breast and/or ovarian cancer syndrome; Hereditary breast and ovarian cancer syndrome (HBOC); Hereditary breast and ovarian cancer syndrome; BRCA1- and BRCA2-Associated Hereditary Breast and Ovarian Cancer. Identifiers: Orphanet 145, MedGen C0677776, MeSH D061325, MONDO:0003582. Disease mechanism: loss of function.
Breast-ovarian cancer, familial, susceptibility to, 1 (BROVCA1). Also called: OVARIAN CANCER, SUSCEPTIBILITY TO; BRCA1 Hereditary Breast and Ovarian Cancer. Identifiers: Orphanet 145, MedGen C2676676, MONDO:0011450, OMIM 604370. Disease mechanism: loss of function.

Allele frequency attached by ClinVar (database versions not stated): gnomAD exomes below 0.00001; gnomAD 0.00001.
gnomAD v4.1: 2 of 1,613,716 alleles (0.00012%); highest among the groups gnomAD compares: Non-Finnish European, 0.000085%; no homozygotes.

Submissions 1 to 9 of 18:

Evidence-based Network for the Interpretation of Germline Mutant Alleles (ENIGMA)
Classification: Pathogenic for Breast-ovarian cancer, familial, susceptibility to, 1. Last evaluated: 2019-06-18. Review status: reviewed by expert panel. Criteria: ENIGMA BRCA1/2 Classification Criteria (2017-06-29). Collection method: curation. Allele origin: germline.
Comment: IARC class based on posterior probability from multifactorial likelihood analysis, thresholds for class as per Plon et al. 2008 (PMID: 18951446). Class 5 based on posterior probability = 0.99607

Laboratory of Genetics, Children's Clinical University Hospital Latvia
Classification: Pathogenic. Last evaluated: 2025-02-16. Review status: criteria provided, single submitter. Criteria: ACMG Guidelines, 2015. Collection method: clinical testing. Allele origin: germline. Affected: yes. Not counted in ClinVar's aggregate classification.

Ambry Genetics
Classification: Pathogenic for Hereditary cancer-predisposing syndrome. Last evaluated: 2024-11-04. Review status: criteria provided, single submitter. Criteria: Ambry Variant Classification Scheme 2023. Collection method: clinical testing. Allele origin: germline. Not counted in ClinVar's aggregate classification.
Comment: The c.4675G>A pathogenic mutation (also known as p.E1559K), located in coding exon 13 of the BRCA1 gene, results from a G to A substitution at nucleotide position 4675. The glutamic acid at codon 1559 is replaced by lysine, an amino acid with similar properties. However, this change occurs in the last base pair of coding exon 13, which makes it likely to have some effect on normal mRNA splicing. In vitro transcript analyses showed that this alteration activated a cryptic splice site leading to the loss of the last 11 nucleotides of the exon and causing a premature stop codon Wappenschmidt B et al. PLoS One. 2012;7(12):e50800; Wangensteen T et al. Hered Cancer Clin Pract, 2019 May;17:14). This alteration has been identified in individuals diagnosed with breast and/or ovarian cancer (Callahan MJ et al. J Clin Oncol. 2007 Sep 1;25(25):3985-90; Wappenschmidt B et al. PLoS One. 2012;7(12):e50800; Tihomirova L et al. Adv Med Sci. 2014 Mar;59(1):114-9; Conner JR et al. Gynecol Oncol. 2014 Feb;132(2):280-6; De Talhouet S et al. Sci Rep, 2020 04;10:7073). This nucleotide position is highly conserved in available vertebrate species. In silico splice site analysis predicts that this alteration will weaken the native splice donor site and will result in the creation or strengthening of a novel splice donor site. RNA studies have demonstrated that this alteration results in abnormal splicing in the set of samples tested (Ambry internal data). Based on the supporting evidence, this alteration is interpreted as a disease-causing mutation.

Quest Diagnostics Nichols Institute San Juan Capistrano
Classification: Pathogenic. Last evaluated: 2024-10-14. Review status: criteria provided, single submitter. Criteria: Quest Diagnostics criteria. Collection method: clinical testing. Allele origin: unknown. Not counted in ClinVar's aggregate classification.
Comment: The BRCA1 c.4675G>A (p.Glu1559Lys) variant has been reported in the published literature in in multiple individuals and families with breast and/or ovarian cancer (PMIDs: 33471991 (2021), 32341426 (2020), 31825140 (2019), 30441849 (2018), 29797126 (2018), 29752822 (2018), 29446198 (2018), 25066507 (2014), 24797986 (2014), 23239986 (2012)). Functional analysis indicates that this variant interferes with normal RNA splicing (PMIDs: 31143303 (2019) and 23239986 (2012)). The frequency of this variant in the general population, 0.000032 (1/31378 chromosomes (Genome Aggregation Database)), is consistent with pathogenicity. Analysis of this variant using software algorithms for the prediction of the effect of nucleotide changes on splicing yielded predictions that this variant may affect proper BRCA1 mRNA splicing. Based on the available information, this variant is classified as pathogenic.

CeGaT Center for Human Genetics Tuebingen
Classification: Pathogenic. Last evaluated: 2024-08-01. Review status: criteria provided, single submitter. Criteria: CeGaT Center For Human Genetics Tuebingen Variant Classification Criteria Version 2. Collection method: clinical testing. Allele origin: germline. Affected: yes. Observed: 1 variant allele. Not counted in ClinVar's aggregate classification.
Comment: BRCA1: PVS1, PM2, PS4:Moderate

GeneDx
Classification: Pathogenic. Last evaluated: 2024-07-03. Review status: criteria provided, single submitter. Criteria: GeneDx Variant Classification Process June 2021. Collection method: clinical testing. Allele origin: germline. Affected: yes. Not counted in ClinVar's aggregate classification.
Comment: RNA studies demonstrate a damaging effect: aberrant splicing leading to the loss of the last 11 nucleotides, resulting in protein truncation or nonsense mediated decay in a gene for which loss-of-function is a known mechanism of disease (PMID: 23239986, 31143303); Multifactorial likelihood analysis suggests this variant is pathogenic (PMID: 31131967); Not observed at significant frequency in large population cohorts (gnomAD); Truncating variants in this gene are considered pathogenic by a well-established clinical consortium and/or database; Also known as 4794G>A; This variant is associated with the following publications: (PMID: 31825140, 29752822, 29446198, 31131967, 30441849, 33468216, 29797126, 36922883, 31294896, 30765603, 32546644, 32341426, 9974970, 11301010, 10220405, 37937776, 28781887, 33087888, 24333842, 34981296, 36367610, 17761984, 23239986, 31143303, 25066507, 24797986)

Labcorp Genetics (formerly Invitae), Labcorp
Classification: Pathogenic for Hereditary breast ovarian cancer syndrome. Last evaluated: 2024-02-05. Review status: criteria provided, single submitter. Criteria: Invitae Variant Classification Sherloc (09022015). Collection method: clinical testing. Allele origin: germline. Not counted in ClinVar's aggregate classification.
Comment: This sequence change replaces glutamic acid, which is acidic and polar, with lysine, which is basic and polar, at codon 1559 of the BRCA1 protein (p.Glu1559Lys). RNA analysis indicates that this missense change induces altered splicing and may result in an absent or disrupted protein product. This variant is present in population databases (rs80356988, gnomAD 0.007%). This missense change has been observed in individual(s) with breast cancer and/or ovarian cancer (PMID: 17761984, 23239986, 24333842, 24797986, 25066507). It has also been observed to segregate with disease in related individuals. This variant is also known as c.4794G>A. ClinVar contains an entry for this variant (Variation ID: 37604). Based on a multifactorial likelihood algorithm using genetic, in silico, and/or statistical data, this variant has been determined to have a high probability of being pathogenic (PMID: 31131967). Experimental studies have shown that this missense change does not substantially affect BRCA1 function (PMID: 30765603). Variants that disrupt the consensus splice site are a relatively common cause of aberrant splicing (PMID: 17576681, 9536098). Studies have shown that this missense change results in deletion of the last 11 nucleotides of exon 14 (also known as exon 15) and introduces a premature termination codon (PMID: 23239986, 31143303; Invitae). The resulting mRNA is expected to undergo nonsense-mediated decay. For these reasons, this variant has been classified as Pathogenic.

Institute of Human Genetics, University of Leipzig Medical Center
Classification: Pathogenic for Breast-ovarian cancer, familial, susceptibility to, 1. Last evaluated: 2023-07-03. Review status: criteria provided, single submitter. Criteria: ACMG Guidelines, 2015. Collection method: clinical testing. Allele origin: unknown. Inheritance: Autosomal dominant inheritance. Affected: yes. Not counted in ClinVar's aggregate classification.
Comment: Criteria applied: PS3,PS4,PM2_SUP, PP3

Blueprint Genetics
Classification: Pathogenic for BRCA1-related disorders. Last evaluated: 2022-04-29. Review status: criteria provided, single submitter. Criteria: ACMG Guidelines, 2015. Collection method: clinical testing. Allele origin: germline. Affected: yes. Observed: 4 variant alleles. Not counted in ClinVar's aggregate classification.

NM_007294.4(BRCA1):c.4675G>A (p.Glu1559Lys)

Gene: BRCA1 (BRCA1 DNA repair associated; minus strand). Cytogenetic location: 17q21.31.
Variant type: single nucleotide variant.
Coding change: c.4675G>A on transcript NM_007294.4 (MANE Select); coding-DNA position 4675, G replaced by A.
Protein change: p.Glu1559Lys; replaces glutamic acid 1559 with lysine.
Molecular consequence: missense variant. On other transcripts: non-coding transcript variant (1).
Genome position (GRCh38, 1-based): chr17:43,074,331, C>T on the plus strand (G>A on the coding strand, the complement: BRCA1 is on the minus strand). VCF-style: chr17-43074331-C-T. GRCh37 (hg19) VCF-style: chr17-41226348-C-T.
Other names: 4794G>A; c.4462G>A, p.Glu1488Lys (NM_001407571.1, NM_001407895.1, NM_001407896.1 and 12 more transcripts); c.4741G>A, p.Glu1581Lys (NM_001407581.1, NM_001407582.1); c.4738G>A, p.Glu1580Lys (NM_001407583.1, NM_001407585.1, NM_001407587.1 and 1 more transcripts); c.4735G>A, p.Glu1579Lys (NM_001407590.1, NM_001407591.1); c.4675G>A, p.Glu1559Lys (NM_001407593.1, NM_001407594.1, NM_001407596.1 and 8 more transcripts); c.4672G>A, p.Glu1558Lys (NM_001407610.1, NM_001407611.1, NM_001407612.1 and 17 more transcripts); c.4669G>A, p.Glu1557Lys (NM_001407627.1, NM_001407628.1, NM_001407629.1 and 14 more transcripts); and 69 more; short protein forms E1559K, E1580K, E1512K, E455K, E1431K, E1515K, E1517K, E1532K.
Identifiers: ClinVar variation 37604 (VCV000037604.51), dbSNP rs80356988, ClinGen allele CA002963.
Genomic context (GRCh38, chr17:43,074,331, plus strand): 5'-TTATGTAGGATTCAGAGTAAAATCAAAGTGTTTGTTCCAATACAGCAGATGAAATATTAC[C>T]TAGATCTTGCCTTGGCAAGTAAGATGTTTCCGTCAAATCGTGTGGCCCAGACTCTTCCAG-3'
Protein context (NP_009225.1, residues 1549-1569): ETSYLPRQDL[Glu1559Lys]GTPYLESGIS